The following is an entry in ClinVar:

ClinVar aggregate classification (germline): Uncertain significance (0 of 4 stars; one submission).

Conditions:
KSR2-related disorder. Also called: KSR2-related condition.

gnomAD v4.1: 1 of 1,609,098 alleles (0.000062%); highest among the groups gnomAD compares: Admixed American, 0.0017%; no homozygotes.

Submission:

PreventionGenetics, part of Exact Sciences
Classification: Uncertain significance for KSR2-related condition. Last evaluated: 2024-05-13. Review status: no assertion criteria provided. Collection method: clinical testing. Allele origin: germline.
Comment: The KSR2 c.1441C>G variant is predicted to result in the amino acid substitution p.Pro481Ala. To our knowledge, this variant has not been reported in the literature. This variant is reported in 0.0030% of alleles in individuals of Latino descent in gnomAD. At this time, the clinical significance of this variant is uncertain due to the absence of conclusive functional and genetic evidence.

NM_173598.6(KSR2):c.1528C>G (p.Pro510Ala)

Gene: KSR2 (kinase suppressor of ras 2; minus strand). Cytogenetic location: 12q24.22.
Variant type: single nucleotide variant.
Coding change: c.1528C>G on transcript NM_173598.6 (MANE Select); coding-DNA position 1528, C replaced by G.
Protein change: p.Pro510Ala; replaces proline 510 with alanine.
Molecular consequence: missense variant.
Genome position (GRCh38, 1-based): chr12:117,539,878, G>C on the plus strand (C>G on the coding strand, the complement: KSR2 is on the minus strand). VCF-style: chr12-117539878-G-C. GRCh37 (hg19) VCF-style: chr12-117977683-G-C.
Other names: short protein forms P510A.
Identifiers: ClinVar variation 3354355 (VCV003354355.1).